The following is an entry in ClinVar:

ClinVar aggregate classification (germline): Benign (1 of 4 stars; one submission).

Conditions:
Lynch syndrome 5 (LYNCH5). Also called: Colorectal cancer, hereditary nonpolyposis, type 5; Hereditary non-polyposis colorectal cancer, type 5. Identifiers: Orphanet 144, MedGen C1833477, MONDO:0013710, OMIM 614350. Disease mechanism: loss of function.

Submission:

Myriad Genetics, Inc.
Classification: Benign for Lynch syndrome 5. Last evaluated: 2024-12-30. Review status: criteria provided, single submitter. Criteria: Myriad Autosomal Dominant, Autosomal Recessive and X-Linked Classification Criteria (2023). Collection method: clinical testing. Allele origin: unknown.
Comment: This variant is considered benign. This variant is a silent/synonymous amino acid change and it is not expected to impact splicing.

NM_000179.3(MSH6):c.2073C>G (p.Leu691=)

Gene: MSH6 (mutS homolog 6; plus strand). Cytogenetic location: 2p16.3.
Variant type: single nucleotide variant.
Coding change: c.2073C>G on transcript NM_000179.3 (MANE Select); coding-DNA position 2073, C replaced by G.
Protein change: p.Leu691=; no amino-acid change (leucine 691 retained).
Molecular consequence: synonymous variant. On other transcripts: non-coding transcript variant (5), intron variant (2).
Genome position (GRCh38, 1-based): chr2:47,800,056, C>G. VCF-style: chr2-47800056-C-G. GRCh37 (hg19) VCF-style: chr2-48027195-C-G.
Other names: c.1683C>G, p.Leu561= (NM_001281492.2); c.1167C>G, p.Leu389= (NM_001281493.2, NM_001281494.2, NM_001406811.1 and 6 more transcripts); c.2169C>G, p.Leu723= (NM_001406795.1, NM_001406802.1); c.2073C>G, p.Leu691= (NM_001406796.1, NM_001406798.1, NM_001406800.1 and 3 more transcripts); c.1776C>G, p.Leu592= (NM_001406797.1, NM_001406801.1, NM_001406805.1 and 10 more transcripts); c.1548C>G, p.Leu516= (NM_001406799.1, NM_001406806.1, NM_001406807.1); c.1995C>G, p.Leu665= (NM_001406804.1); c.2079C>G, p.Leu693= (NM_001406813.1); and 3 more.
Identifiers: ClinVar variation 3904442 (VCV003904442.1).
Genomic context (GRCh38, chr2:47,800,056, plus strand): 5'-GACACCAGGAGAGAAAAGTGAATTGGCCCTCTCTGCTCTAGGTGGTTGTGTCTTCTACCT[C>G]AAAAAATGCCTTATTGATCAGGAGCTTTTATCAATGGCTAATTTTGAAGAATATATTCCC-3'
Protein context (NP_000170.1, residues 681-701): LSALGGCVFY[Leu691=]KKCLIDQELL